The following is an entry in ClinVar:

ClinVar aggregate classification (germline): Conflicting classifications of pathogenicity. Review status: criteria provided, conflicting classifications (1 of 4 stars). 2 submissions from 2 submitters: Likely pathogenic (1); Uncertain significance (1). Last evaluated 2026-02-17.

Conditions:
Hereditary cancer-predisposing syndrome. Also called: Hereditary neoplastic syndrome; Neoplastic Syndromes, Hereditary; Tumor predisposition; Hereditary Cancer Syndrome. Identifiers: Orphanet 140162, MedGen C0027672, MeSH D009386, MONDO:0015356.
Familial cancer of breast. Also called: BREAST CANCER, FAMILIAL; Hereditary breast cancer; hereditary breast carcinoma. Identifiers: Orphanet 227535, MedGen C0346153, MONDO:0016419, OMIM 114480. Disease mechanism: loss of function.

Submissions (2):

Myriad Genetics, Inc.
Classification: Likely pathogenic for Familial cancer of breast. Last evaluated: 2026-02-17. Review status: criteria provided, single submitter. Criteria: Myriad Autosomal Dominant, Autosomal Recessive and X-Linked Classification Criteria (2023). Collection method: clinical testing. Allele origin: unknown.
Comment: This variant is considered likely pathogenic. This variant has been reported in an individual with clinical features of gene-specific disease [PMID: 21792198]. mRNA analysis has demonstrated abnormal mRNA splicing occurs [Myriad internal data].

Ambry Genetics
Classification: Uncertain significance for Hereditary cancer-predisposing syndrome. Last evaluated: 2022-04-06. Review status: criteria provided, single submitter. Criteria: Ambry Variant Classification Scheme 2023. Collection method: clinical testing. Allele origin: germline.
Comment: The c.2249A>G variant (also known as p.K750R), located in coding exon 13 of the ATM gene, results from an A to G substitution at nucleotide position 2249. The lysine at codon 750 is replaced by arginine, an amino acid with highly similar properties. This nucleotide position is highly conserved in available vertebrate species. In silico splice site analysis predicts that this alteration will weaken the native splice donor site. RNA studies have demonstrated that this alteration results in a transcript predicted to lead to a protein with an in-frame deletion of 42 amino acids; however, the exact functional impact of the deleted amino acids is unknown at this time (Ambry internal data). Since supporting evidence is limited at this time, the clinical significance of this alteration remains unclear.

Literature cited by the submitters: PubMed 21792198 (cited by Myriad Genetics, Inc.).

NM_000051.4(ATM):c.2249A>G (p.Lys750Arg)

Gene: ATM (ATM serine/threonine kinase; plus strand). Cytogenetic location: 11q22.3.
Variant type: single nucleotide variant.
Coding change: c.2249A>G on transcript NM_000051.4 (MANE Select); coding-DNA position 2249, A replaced by G.
Protein change: p.Lys750Arg; replaces lysine 750 with arginine.
Molecular consequence: missense variant.
Genome position (GRCh38, 1-based): chr11:108,256,339, A>G. VCF-style: chr11-108256339-A-G. GRCh37 (hg19) VCF-style: chr11-108127066-A-G.
Other names: c.2249A>G, p.Lys750Arg (NM_001351834.2); short protein forms K750R.
Identifiers: ClinVar variation 1788378 (VCV001788378.3), dbSNP rs1060501540, ClinGen allele CA382539304.